The following is an entry in ClinVar:

ClinVar aggregate classification (germline): Benign/Likely benign. Review status: criteria provided, multiple submitters, no conflicts (2 of 4 stars). 3 submissions from 3 submitters: Benign (2); Likely benign (1). Last evaluated 2026-02-02.

Submissions (3):

Labcorp Genetics (formerly Invitae), Labcorp
Classification: Benign. Last evaluated: 2026-02-02. Review status: criteria provided, single submitter. Criteria: Invitae Variant Classification Sherloc (09022015). Collection method: clinical testing. Allele origin: germline.

Blueprint Genetics
Classification: Likely benign. Last evaluated: 2024-11-13. Review status: criteria provided, single submitter. Criteria: ACMG Guidelines, 2015. Collection method: clinical testing. Allele origin: germline.

GeneDx
Classification: Benign. Last evaluated: 2014-10-07. Review status: criteria provided, single submitter. Criteria: GeneDx Variant Classification (06012015). Collection method: clinical testing. Allele origin: germline. Affected: yes.
Comment: The variant is found in MITONUC-MITOP panel(s).

NM_033109.5(PNPT1):c.1674+20del

Gene: PNPT1 (polyribonucleotide nucleotidyltransferase 1; minus strand). Cytogenetic location: 2p16.1.
Variant type: Deletion.
Coding change: c.1674+20del on transcript NM_033109.5 (MANE Select); 20 bases into the intron after coding-DNA position 1674, one base deleted (T; older notation c.1674+20delT).
Molecular consequence: intron variant.
Genome position (GRCh38, 1-based): chr2:55,646,395, A deleted on the plus strand (T on the coding strand, the reverse complement: PNPT1 is on the minus strand); the first of 4 consecutive A bases (chr2:55,646,395-55,646,398); deleting any one gives the same sequence. VCF-style (leftmost placement, unchanged base first): chr2-55646394-CA-C. GRCh37 (hg19) VCF-style: chr2-55873529-CA-C.
Other names: c.1674+20delT (NM_033109.4).
Identifiers: ClinVar variation 215002 (VCV000215002.11), dbSNP rs149526231, ClinGen allele CA323422.